The following is an entry in ClinVar:

NM_012418.4(FSCN2):c.1299G>T (p.Thr433=)

Gene: FSCN2 (fascin actin-bundling protein 2, retinal; plus strand). Cytogenetic location: 17q25.3.
Variant type: single nucleotide variant.
Coding change: c.1299G>T on transcript NM_012418.4 (MANE Select); coding-DNA position 1299, G replaced by T.
Protein change: p.Thr433=; no amino-acid change (threonine 433 retained).
Molecular consequence: synonymous variant.
Genome position (GRCh38, 1-based): chr17:81,536,900, G>T. VCF-style: chr17-81536900-G-T. GRCh37 (hg19) VCF-style: chr17-79503926-G-T.
Other names: c.1371G>T, p.Thr457= (NM_001077182.3).
Identifiers: ClinVar variation 2127733 (VCV002127733.4), dbSNP rs1184850280, ClinGen allele CA502420069.

ClinVar aggregate classification (germline): Uncertain significance (1 of 4 stars; one submission).

gnomAD v4.1: 1 of 1,576,440 alleles (0.000063%); highest among the groups gnomAD compares: Non-Finnish European, 0.000086%; no homozygotes.

Submission:

Labcorp Genetics (formerly Invitae), Labcorp
Classification: Uncertain significance. Last evaluated: 2022-04-18. Review status: criteria provided, single submitter. Criteria: Invitae Variant Classification Sherloc (09022015). Collection method: clinical testing. Allele origin: germline.
Comment: In summary, the available evidence is currently insufficient to determine the role of this variant in disease. Therefore, it has been classified as a Variant of Uncertain Significance. Algorithms developed to predict the effect of sequence changes on RNA splicing suggest that this variant may create or strengthen a splice site. This variant has not been reported in the literature in individuals affected with FSCN2-related conditions. This variant is not present in population databases (gnomAD no frequency). This sequence change affects codon 457 of the FSCN2 mRNA. It is a 'silent' change, meaning that it does not change the encoded amino acid sequence of the FSCN2 protein.